The following is an entry in ClinVar:

ClinVar aggregate classification (germline): Benign. Review status: criteria provided, multiple submitters, no conflicts (2 of 4 stars). 7 submissions from 7 submitters: Benign (6). 1 of the submissions does not count toward it. Last evaluated 2026-02-02.

Conditions:
Short-rib thoracic dysplasia 6 with or without polydactyly (SRTD6). Also called: POLYDACTYLY WITH NEONATAL CHONDRODYSTROPHY, TYPE II; Majewski Syndrome; SHORT RIB-POLYDACTYLY SYNDROME, TYPE IIA; SHORT-RIB THORACIC DYSPLASIA 6 WITH POLYDACTYLY; SHORT-RIB THORACIC DYSPLASIA 6 WITHOUT POLYDACTYLY. Identifiers: MedGen C0024507, MONDO:0009894, OMIM 263520.

Allele frequency attached by ClinVar (database versions not stated): TOPMed 0.09620; gnomAD 0.09622 and 0.09637; gnomAD exomes 0.09840 and 0.10583; ESP Exome Variant Server 0.10187; 1000 Genomes Project 30x 0.10212; 1000 Genomes Project 0.10503; ExAC 0.14032.
gnomAD v4.1: 166,639 of 1,586,382 alleles (11%); highest among the groups gnomAD compares: East Asian, 15%; 9,137 homozygotes.

Submissions (7):

Labcorp Genetics (formerly Invitae), Labcorp
Classification: Benign for Short-rib thoracic dysplasia 6 with or without polydactyly. Last evaluated: 2026-02-02. Review status: criteria provided, single submitter. Criteria: Invitae Variant Classification Sherloc (09022015). Collection method: clinical testing. Allele origin: germline.

Mayo Clinic Laboratories, Mayo Clinic
Classification: Benign. Last evaluated: 2022-03-09. Review status: criteria provided, single submitter. Criteria: ACMG Guidelines, 2015. Collection method: clinical testing. Allele origin: germline. Observed: 16 variant alleles.

Illumina Laboratory Services, Illumina
Classification: Benign for Short-rib thoracic dysplasia 6 with or without polydactyly. Last evaluated: 2018-01-12. Review status: criteria provided, single submitter. Criteria: ICSL Variant Classification Criteria 13 December 2019. Collection method: clinical testing. Allele origin: germline.
Comment: This variant was observed in the ICSL laboratory as part of a predisposition screen in an ostensibly healthy population. It had not been previously curated by ICSL or reported in the Human Gene Mutation Database (HGMD: prior to June 1st, 2018), and was therefore a candidate for classification through an automated scoring system. Utilizing variant allele frequency, disease prevalence and penetrance estimates, and inheritance mode, an automated score was calculated to assess if this variant is too frequent to cause the disease. Based on the score and internal cut-off values, a variant classified as benign is not then subjected to further curation. The score for this variant resulted in a classification of benign for this disease.

Clinical Genetics DNA and cytogenetics Diagnostics Lab, Erasmus MC, Erasmus Medical Center
Classification: Benign for Short-rib thoracic dysplasia 6 with or without polydactyly. Last evaluated: 2017-05-31. Review status: criteria provided, single submitter. Criteria: ACGS Guidelines, 2013. Collection method: clinical testing. Allele origin: germline. Affected: yes. Study: VKGL Data-share Consensus.

GeneDx
Classification: Benign. Last evaluated: 2016-03-03. Review status: criteria provided, single submitter. Criteria: GeneDx Variant Classification (06012015). Collection method: clinical testing. Allele origin: germline. Affected: yes.
Comment: This variant is considered likely benign or benign based on one or more of the following criteria: it is a conservative change, it occurs at a poorly conserved position in the protein, it is predicted to be benign by multiple in silico algorithms, and/or has population frequency not consistent with disease.

Breakthrough Genomics
Classification: Benign. Review status: criteria provided, single submitter. Criteria: ACMG Guidelines, 2015. Collection method: not provided. Allele origin: germline. Inheritance: Autosomal recessive inheritance. Affected: yes.

Clinical Genetics, Academic Medical Center
Classification: Benign. Review status: no assertion criteria provided. Collection method: clinical testing. Allele origin: germline. Affected: yes. Study: VKGL Data-share Consensus. Not counted in ClinVar's aggregate classification.

NM_001199397.3(NEK1):c.2255A>G (p.Glu752Gly)

Gene: NEK1 (NIMA related kinase 1; minus strand). Cytogenetic location: 4q33.
Variant type: single nucleotide variant.
Coding change: c.2255A>G on transcript NM_001199397.3 (MANE Select); coding-DNA position 2255, A replaced by G.
Protein change: p.Glu752Gly; replaces glutamic acid 752 with glycine.
Molecular consequence: missense variant. On other transcripts: non-coding transcript variant (1).
Genome position (GRCh38, 1-based): chr4:169,477,303, T>C on the plus strand (A>G on the coding strand, the complement: NEK1 is on the minus strand). VCF-style: chr4-169477303-T-C. GRCh37 (hg19) VCF-style: chr4-170398454-T-C.
Other names: p.Glu752Gly; c.2123A>G, p.Glu708Gly (NM_001199398.3); c.1964A>G, p.Glu655Gly (NM_001199399.3); c.2039A>G, p.Glu680Gly (NM_001199400.3); c.2255A>G, p.Glu752Gly (NM_001374418.1); c.2171A>G, p.Glu724Gly (NM_001374419.1, NM_012224.4); c.2120A>G, p.Glu707Gly (NM_001374420.1); c.1949A>G, p.Glu650Gly (NM_001374421.1); and 1 more; short protein forms E724G, E752G, E708G, E655G, E680G, E650G, E707G.
Identifiers: ClinVar variation 348107 (VCV000348107.18), dbSNP rs34099167, ClinGen allele CA3137454.